The following is an entry in ClinVar:

ClinVar aggregate classification (germline): Likely pathogenic. Review status: criteria provided, multiple submitters, no conflicts (2 of 4 stars). 3 submissions from 3 submitters: Likely pathogenic (3). Last evaluated 2025-10-03.

Conditions:
Primary dilated cardiomyopathy (DCM). Also called: Dilated Cardiomyopathy. Identifiers: Orphanet 217604, MedGen C0007193, MeSH D002311, MONDO:0005021, HP:0001644. Inheritance: Various modes of inheritance.
Dilated cardiomyopathy 1G (CMD1G). Identifiers: Orphanet 154, MedGen C1858763, MONDO:0011400, OMIM 604145.

Allele frequency attached by ClinVar (database versions not stated): TOPMed below 0.00001.

Submissions (3):

Variantyx, Inc.
Classification: Likely pathogenic for Dilated cardiomyopathy 1G. Last evaluated: 2025-10-03. Review status: criteria provided, single submitter. Criteria: Variantyx Assertion Criteria 2022. Collection method: clinical testing. Allele origin: germline. Inheritance: Autosomal dominant inheritance. Affected: yes.
Comment: This is a nonsense variant in the TTN gene (OMIM: 188840). Pathogenic variants in this gene have been associated with autosomal dominant dilated cardiomyopathy 1G. This variant introduces a premature termination codon in exon 339 out of 363 in the A band and is expected to result in loss of function, which is a known disease mechanism for TTN in this disorder (PMID: 32964742,23975875, 2608468, 23418287, 16733766, 22335739, 32964742) (PVS1). This variant is absent from control populations (PM2). Based on the current evidence, this variant is classified as likely pathogenic for autosomal dominant dilated cardiomyopathy 1G.

Revvity Omics, Revvity
Classification: Likely pathogenic. Last evaluated: 2025-06-17. Review status: criteria provided, single submitter. Criteria: ACMG Guidelines, 2015. Collection method: clinical testing. Allele origin: germline.

Laboratory for Molecular Medicine, Mass General Brigham Personalized Medicine
Classification: Likely pathogenic for Primary dilated cardiomyopathy. Last evaluated: 2019-01-25. Review status: criteria provided, single submitter. Criteria: ACMG Guidelines, 2015. Collection method: clinical testing. Allele origin: germline.
Comment: The p.Lys28194X variant in TTN has not been reported in individuals with TTN-associated diseases, such as dilated cardiomyopathy and neuromuscular conditions and was absent from large population studies. This nonsense variant leads to a premature termination codon at position 28194, which is predicted to lead to a truncated or absent protein. TTN truncating variants located in exons that are highly expressed in the heart are strongly associated with autosomal dominant DCM, particularly if they are located in the A-band (Herman 2012, Pugh 2014, Roberts 2015). In addition, TTN variants have also been associated with myopathies and other neuromuscular conditions, which usually have autosomal recessive inheritance (Savarese 2016). The p.Lys28194X variant is located in the A-band. In summary, although additional studies are required to fully establish its clinical significance, this variant meets criteria to be classified as likely pathogenic for TTN-associated diseases. ACMG/AMP Criteria applied: PVS1, PM2.

Literature cited by the submitters: PubMed 32964742 (cited by Variantyx, Inc.); PubMed 23975875 (cited by Variantyx, Inc.); PubMed 2608468 (cited by Variantyx, Inc.); PubMed 23418287 (cited by Variantyx, Inc.); PubMed 16733766 (cited by Variantyx, Inc.); PubMed 22335739 (cited by Variantyx, Inc.).

NM_001267550.2(TTN):c.92284A>T (p.Lys30762Ter)

Genes: TTN (titin; minus strand), TTN-AS1 (TTN antisense RNA 1; plus strand). Cytogenetic location: 2q31.2.
Variant type: single nucleotide variant.
Coding change: c.92284A>T on transcript NM_001267550.2 (MANE Select); coding-DNA position 92284, A replaced by T.
Protein change: p.Lys30762Ter; replaces lysine 30762 with a stop codon.
Molecular consequence: nonsense.
Genome position (GRCh38, 1-based): chr2:178,549,342, T>A on the plus strand (A>T on the coding strand, the complement: TTN is on the minus strand). VCF-style: chr2-178549342-T-A. GRCh37 (hg19) VCF-style: chr2-179414069-T-A.
Other names: c.87361A>T, p.Lys29121Ter (NM_001256850.1); c.65089A>T, p.Lys21697Ter (NM_003319.4); c.84580A>T, p.Lys28194Ter (NM_133378.4); c.65464A>T, p.Lys21822Ter (NM_133432.3); c.65665A>T, p.Lys21889Ter (NM_133437.4); short protein forms K21697*, K21822*, K21889*, K28194*, K29121*, K30762*.
Identifiers: ClinVar variation 3075741 (VCV003075741.3), dbSNP rs747890554, ClinGen allele CA349493826.